The following is an entry in ClinVar:

ClinVar aggregate classification (germline): Likely pathogenic (1 of 4 stars; one submission).

Conditions:
alpha Thalassemia. Also called: Alpha thalassemia spectrum. Identifiers: Orphanet 846, MedGen C0002312, MONDO:0011399, OMIM 604131.

Submission:

Natera, Inc.
Classification: Likely pathogenic for Alpha thalassemia. Last evaluated: 2025-02-04. Review status: criteria provided, single submitter. Criteria: Natera Variant Classification Schema (03/2026). Collection method: clinical testing. Allele origin: germline.
Comment: The c.6dup variant in HBA2 is a frameshift variant predicted to shift the reading frame beginning at codon 3 and leads to a stop codon 15 codons downstream. This variant is expected to result in nonsense mediated decay, truncation, or a dysfunctional protein product. This variant is rare in the general population with a frequency below the threshold expected for the associated phenotype(s). Given the available evidence, this variant is classified as Likely Pathogenic.

NM_000517.6(HBA2):c.6dup (p.Leu3fs)

Genes: HBA2 (hemoglobin subunit alpha 2; plus strand), LOC106804612 (hemoglobin subunit alpha 2 recombination region; plus strand). Cytogenetic location: 16p13.3.
Variant type: Duplication.
Coding change: c.6dup on transcript NM_000517.6 (MANE Select); coding-DNA position 6, one base duplicated (G; older notation c.6dupG).
Protein change: p.Leu3fs; shifts the reading frame from leucine 3.
Molecular consequence: frameshift variant.
Genome position (GRCh38, 1-based): chr16:172,918, G duplicated. VCF-style (leftmost placement, unchanged base first): chr16-172917-T-TG. GRCh37 (hg19) VCF-style: chr16-222916-T-TG.
Other names: short protein forms L3fs.
Identifiers: ClinVar variation 4069097 (VCV004069097.2).